The following is an entry in ClinVar:

NM_004281.4(BAG3):c.538T>C (p.Ser180Pro)

Gene: BAG3 (BAG cochaperone 3; plus strand). Cytogenetic location: 10q26.11.
Variant type: single nucleotide variant.
Coding change: c.538T>C on transcript NM_004281.4 (MANE Select); coding-DNA position 538, T replaced by C.
Protein change: p.Ser180Pro; replaces serine 180 with proline.
Molecular consequence: missense variant.
Genome position (GRCh38, 1-based): chr10:119,672,285, T>C. VCF-style: chr10-119672285-T-C. GRCh37 (hg19) VCF-style: chr10-121431797-T-C.
Other names: short protein forms S180P.
Identifiers: ClinVar variation 2923967 (VCV002923967.3), dbSNP rs2134064962, ClinGen allele CA378295297.

ClinVar aggregate classification (germline): Uncertain significance (1 of 4 stars; one submission).

Conditions:
Myofibrillar myopathy 6. Identifiers: Orphanet 199340, MedGen C2751831, MONDO:0013061, OMIM 612954.
Dilated cardiomyopathy 1HH (CMD1HH). Identifiers: Orphanet 154, MedGen C3151293, MONDO:0013479, OMIM 613881.

Allele frequency attached by ClinVar (database versions not stated): gnomAD exomes below 0.00001; gnomAD 0.00001; 1000 Genomes Project 30x 0.00016.
gnomAD v4.1: 3 of 1,613,844 alleles (0.00019%); highest among the groups gnomAD compares: South Asian, 0.0011%; no homozygotes.

Submission:

Labcorp Genetics (formerly Invitae), Labcorp
Classification: Uncertain significance for Dilated cardiomyopathy 1HH; Myofibrillar myopathy 6. Last evaluated: 2022-12-31. Review status: criteria provided, single submitter. Criteria: Invitae Variant Classification Sherloc (09022015). Collection method: clinical testing. Allele origin: germline.
Comment: In summary, the available evidence is currently insufficient to determine the role of this variant in disease. Therefore, it has been classified as a Variant of Uncertain Significance. Algorithms developed to predict the effect of missense changes on protein structure and function are either unavailable or do not agree on the potential impact of this missense change (SIFT: "Tolerated"; PolyPhen-2: "Probably Damaging"; Align-GVGD: "Class C0"). This variant has not been reported in the literature in individuals affected with BAG3-related conditions. This variant is not present in population databases (gnomAD no frequency). This sequence change replaces serine, which is neutral and polar, with proline, which is neutral and non-polar, at codon 180 of the BAG3 protein (p.Ser180Pro).